The following is an entry in ClinVar:

NM_001126108.2(SLC12A3):c.1400C>T (p.Ser467Phe)

Gene: SLC12A3 (solute carrier family 12 member 3; plus strand). Cytogenetic location: 16q13.
Variant type: single nucleotide variant.
Coding change: c.1400C>T on transcript NM_001126108.2 (MANE Select); coding-DNA position 1400, C replaced by T.
Protein change: p.Ser467Phe; replaces serine 467 with phenylalanine.
Molecular consequence: missense variant.
Genome position (GRCh38, 1-based): chr16:56,879,606, C>T. VCF-style: chr16-56879606-C-T. GRCh37 (hg19) VCF-style: chr16-56913518-C-T.
Other names: c.1400C>T, p.Ser467Phe (NM_000339.3); c.1397C>T, p.Ser466Phe (NM_001126107.2, NM_001410896.1); short protein forms S467F, S466F.
Identifiers: ClinVar variation 2142800 (VCV002142800.6), dbSNP rs142912565, ClinGen allele CA8069457.

ClinVar aggregate classification (germline): Conflicting classifications of pathogenicity. Review status: criteria provided, conflicting classifications (1 of 4 stars). 3 submissions from 3 submitters: Likely pathogenic (1); Uncertain significance (2). Last evaluated 2024-06-04.

Conditions:
Familial hypokalemia-hypomagnesemia (GTLMNS). Also called: POTASSIUM AND MAGNESIUM DEPLETION; HYPOMAGNESEMIA-HYPOKALEMIA, PRIMARY RENOTUBULAR, WITH HYPOCALCIURIA; gitelman syndrome. Identifiers: Orphanet 358, MedGen C0268450, MONDO:0009904, OMIM 263800.

Allele frequency attached by ClinVar (database versions not stated): gnomAD exomes 0.00001; TOPMed 0.00001; ExAC 0.00002; gnomAD 0.00003; ESP Exome Variant Server 0.00015.
gnomAD v4.1: 26 of 1,613,646 alleles (0.0016%); highest among the groups gnomAD compares: Non-Finnish European, 0.0021%; no homozygotes.

Submissions (3):

Fulgent Genetics
Classification: Uncertain significance for Familial hypokalemia-hypomagnesemia. Last evaluated: 2024-06-04. Review status: criteria provided, single submitter. Criteria: ACMG Guidelines, 2015. Collection method: clinical testing. Allele origin: germline.

Labcorp Genetics (formerly Invitae), Labcorp
Classification: Likely pathogenic. Last evaluated: 2023-03-27. Review status: criteria provided, single submitter. Criteria: Invitae Variant Classification Sherloc (09022015). Collection method: clinical testing. Allele origin: germline.
Comment: In summary, the currently available evidence indicates that the variant is pathogenic, but additional data are needed to prove that conclusively. Therefore, this variant has been classified as Likely Pathogenic. Advanced modeling of protein sequence and biophysical properties (such as structural, functional, and spatial information, amino acid conservation, physicochemical variation, residue mobility, and thermodynamic stability) performed at Invitae indicates that this missense variant is expected to disrupt SLC12A3 protein function. ClinVar contains an entry for this variant (Variation ID: 2142800). This missense change has been observed in individual(s) with clinical features of Gitelman syndrome (Invitae). In at least one individual the data is consistent with being in trans (on the opposite chromosome) from a pathogenic variant. This variant is present in population databases (rs142912565, gnomAD 0.003%). This sequence change replaces serine, which is neutral and polar, with phenylalanine, which is neutral and non-polar, at codon 467 of the SLC12A3 protein (p.Ser467Phe).

Blueprint Genetics
Classification: Uncertain significance. Last evaluated: 2018-10-03. Review status: criteria provided, single submitter. Criteria: ACMG Guidelines, 2015. Collection method: clinical testing. Allele origin: germline.